The following is an entry in ClinVar:

ClinVar aggregate classification (germline): Benign/Likely benign. Review status: criteria provided, multiple submitters, no conflicts (2 of 4 stars). 8 submissions from 8 submitters: Benign (6); Likely benign (2). Last evaluated 2026-01-28.

Conditions:
Kidney disorder. Also called: Nephropathy; Kidney disease; Kidney Diseases; renal disorder; renal disease. Identifiers: MedGen C0022658, MONDO:0005240, HP:0000112.
CFHR5 deficiency. Identifiers: MedGen C3553720.
CFH-Related Dense Deposit Disease / Membranoproliferative Glomerulonephritis Type II. Identifiers: MedGen CN071292.

Allele frequency attached by ClinVar (database versions not stated): 1000 Genomes Project 30x 0.04294; gnomAD exomes 0.00445 and 0.01105; ExAC 0.01254; gnomAD 0.03509 and 0.03706; TOPMed 0.03959; 1000 Genomes Project 0.04073; ESP Exome Variant Server 0.04108.
gnomAD v4.1: 12,148 of 1,609,912 alleles (0.75%); highest among the groups gnomAD compares: African/African-American, 12%; 593 homozygotes.

Submissions (16):

Labcorp Genetics (formerly Invitae), Labcorp
Classification: Benign. Last evaluated: 2026-01-28. Review status: criteria provided, single submitter. Criteria: Invitae Variant Classification Sherloc (09022015). Collection method: clinical testing. Allele origin: germline.

Women's Health and Genetics/Laboratory Corporation of America, LabCorp
Classification: Likely benign. Last evaluated: 2026-01-21. Review status: criteria provided, single submitter. Criteria: LabCorp Variant Classification Summary - May 2015. Collection method: clinical testing. Allele origin: germline.

Blueprint Genetics
Classification: Likely benign. Last evaluated: 2024-11-26. Review status: criteria provided, single submitter. Criteria: ACMG Guidelines, 2015. Collection method: clinical testing. Allele origin: germline.

Genome-Nilou Lab
Classification: Benign for C3 glomerulonephritis. Last evaluated: 2023-04-11. Review status: criteria provided, single submitter. Criteria: ACMG Guidelines, 2015. Collection method: clinical testing. Allele origin: germline. Affected: no.

Mayo Clinic Laboratories, Mayo Clinic
Classification: Benign. Last evaluated: 2022-09-22. Review status: criteria provided, single submitter. Criteria: ACMG Guidelines, 2015. Collection method: clinical testing. Allele origin: germline. Observed: 208 variant alleles.
Comment: BA1, BP4

Genome Diagnostics Laboratory, The Hospital for Sick Children
Classification: Benign for Kidney disorder. Last evaluated: 2020-01-01. Review status: criteria provided, single submitter. Criteria: ACMG Guidelines, 2015. Collection method: clinical testing. Allele origin: germline.

Illumina Laboratory Services, Illumina
Classification: Benign for Membranoproliferative glomerulonephritis with complement factor h deficiency. Last evaluated: 2018-01-13. Review status: criteria provided, single submitter. Criteria: ICSL Variant Classification Criteria 13 December 2019. Collection method: clinical testing. Allele origin: germline.
Comment: This variant was observed in the ICSL laboratory as part of a predisposition screen in an ostensibly healthy population. It had not been previously curated by ICSL or reported in the Human Gene Mutation Database (HGMD: prior to June 1st, 2018), and was therefore a candidate for classification through an automated scoring system. Utilizing variant allele frequency, disease prevalence and penetrance estimates, and inheritance mode, an automated score was calculated to assess if this variant is too frequent to cause the disease. Based on the score and internal cut-off values, a variant classified as benign is not then subjected to further curation. The score for this variant resulted in a classification of benign for this disease.

Breakthrough Genomics
Classification: Benign. Review status: criteria provided, single submitter. Criteria: ACMG Guidelines, 2015. Collection method: not provided. Allele origin: germline. Inheritance: Autosomal dominant inheritance. Affected: yes.

Dr. Peter K. Rogan Lab, Western University
No classification provided (evidence only). Condition: Lung cancer. Review status: no classification provided. Collection method: in vitro. Allele origin: not applicable. Functional consequence: retained intron. Not counted in ClinVar's aggregate classification.

Dr. Peter K. Rogan Lab, Western University
No classification provided (evidence only). Condition: Lung cancer. Review status: no classification provided. Collection method: in vitro. Allele origin: not applicable. Functional consequence: retained intron. Not counted in ClinVar's aggregate classification.

Dr. Peter K. Rogan Lab, Western University
No classification provided (evidence only). Condition: Hepatocellular carcinoma. Review status: no classification provided. Collection method: in vitro. Allele origin: not applicable. Functional consequence: retained intron. Not counted in ClinVar's aggregate classification.

Dr. Peter K. Rogan Lab, Western University
No classification provided (evidence only). Condition: Hepatocellular carcinoma. Review status: no classification provided. Collection method: in vitro. Allele origin: not applicable. Functional consequence: retained intron. Not counted in ClinVar's aggregate classification.

Dr. Peter K. Rogan Lab, Western University
No classification provided (evidence only). Condition: Hepatocellular carcinoma. Review status: no classification provided. Collection method: in vitro. Allele origin: not applicable. Functional consequence: skipped exon, retained intron. Not counted in ClinVar's aggregate classification.

Dr. Peter K. Rogan Lab, Western University
No classification provided (evidence only). Condition: Hepatocellular carcinoma. Review status: no classification provided. Collection method: in vitro. Allele origin: not applicable. Functional consequence: retained intron. Not counted in ClinVar's aggregate classification.

Dr. Peter K. Rogan Lab, Western University
No classification provided (evidence only). Condition: Hepatocellular carcinoma. Review status: no classification provided. Collection method: in vitro. Allele origin: not applicable. Functional consequence: retained intron. Not counted in ClinVar's aggregate classification.

Dr. Peter K. Rogan Lab, Western University
No classification provided (evidence only). Condition: Hepatocellular carcinoma. Review status: no classification provided. Collection method: in vitro. Allele origin: not applicable. Functional consequence: retained intron. Not counted in ClinVar's aggregate classification.

NM_030787.4(CFHR5):c.434G>A (p.Gly145Glu)

Gene: CFHR5 (complement factor H related 5; plus strand). Cytogenetic location: 1q31.3.
Variant type: single nucleotide variant.
Coding change: c.434G>A on transcript NM_030787.4 (MANE Select); coding-DNA position 434, G replaced by A.
Protein change: p.Gly145Glu; replaces glycine 145 with glutamic acid.
Molecular consequence: missense variant.
Genome position (GRCh38, 1-based): chr1:196,994,083, G>A. VCF-style: chr1-196994083-G-A. GRCh37 (hg19) VCF-style: chr1-196963213-G-A.
Other names: p.Gly145Glu; short protein forms G145E.
Identifiers: ClinVar variation 294540 (VCV000294540.21), dbSNP rs57960694, ClinGen allele CA1307752.